The following is an entry in ClinVar:

NM_005236.3(ERCC4):c.2738A>G (p.Lys913Arg)

Gene: ERCC4 (ERCC excision repair 4, endonuclease catalytic subunit; plus strand). Cytogenetic location: 16p13.12.
Variant type: single nucleotide variant.
Coding change: c.2738A>G on transcript NM_005236.3 (MANE Select); coding-DNA position 2738, A replaced by G.
Protein change: p.Lys913Arg; replaces lysine 913 with arginine.
Molecular consequence: missense variant.
Genome position (GRCh38, 1-based): chr16:13,948,334, A>G. VCF-style: chr16-13948334-A-G. GRCh37 (hg19) VCF-style: chr16-14042191-A-G.
Other names: short protein forms K913R.
Identifiers: ClinVar variation 958705 (VCV000958705.9), dbSNP rs2032565777, ClinGen allele CA394825301.

ClinVar aggregate classification (germline): Uncertain significance (1 of 4 stars; one submission).

Conditions:
Cockayne syndrome. Identifiers: Orphanet 191, MedGen C0009207, MONDO:0016006.
Fanconi anemia complementation group Q. Identifiers: Orphanet 84, MedGen C3808988, MONDO:0014108, OMIM 615272.
Xeroderma pigmentosum, group F (XPF). Also called: XERODERMA PIGMENTOSUM, COMPLEMENTATION GROUP F; ERCC4-Related Xeroderma Pigmentosum; XERODERMA PIGMENTOSUM VI; XP, GROUP F; XERODERMA PIGMENTOSUM, TYPE F; Xeroderma pigmentosum, type 6. Identifiers: MedGen C0268140, MONDO:0010215, OMIM 278760.

Submission:

Labcorp Genetics (formerly Invitae), Labcorp
Classification: Uncertain significance for Fanconi anemia complementation group Q; Xeroderma pigmentosum, group F; Cockayne syndrome. Last evaluated: 2022-08-09. Review status: criteria provided, single submitter. Criteria: Invitae Variant Classification Sherloc (09022015). Collection method: clinical testing. Allele origin: germline.
Comment: In summary, the available evidence is currently insufficient to determine the role of this variant in disease. Therefore, it has been classified as a Variant of Uncertain Significance. Algorithms developed to predict the effect of missense changes on protein structure and function output the following: SIFT: "Tolerated"; PolyPhen-2: "Benign"; Align-GVGD: "Class C0". The arginine amino acid residue is found in multiple mammalian species, which suggests that this missense change does not adversely affect protein function. ClinVar contains an entry for this variant (Variation ID: 958705). This variant has not been reported in the literature in individuals affected with ERCC4-related conditions. This variant is not present in population databases (gnomAD no frequency). This sequence change replaces lysine, which is basic and polar, with arginine, which is basic and polar, at codon 913 of the ERCC4 protein (p.Lys913Arg).